The following is an entry in ClinVar:

ClinVar aggregate classification (germline): Uncertain significance (1 of 4 stars; one submission).

Conditions:
Holoprosencephaly 2 (HPE2). Identifiers: Orphanet 2162, MedGen C1834877, MONDO:0007999, OMIM 157170.

Allele frequency attached by ClinVar (database versions not stated): ExAC 0.00001; gnomAD 0.00001; TOPMed 0.00001; gnomAD exomes 0.00002.
gnomAD v4.1: 34 of 1,594,974 alleles (0.0021%); highest among the groups gnomAD compares: Non-Finnish European, 0.0028%; no homozygotes.

Submission:

Labcorp Genetics (formerly Invitae), Labcorp
Classification: Uncertain significance for Holoprosencephaly 2. Last evaluated: 2024-12-09. Review status: criteria provided, single submitter. Criteria: Invitae Variant Classification Sherloc (09022015). Collection method: clinical testing. Allele origin: germline.
Comment: This sequence change replaces glutamic acid, which is acidic and polar, with valine, which is neutral and non-polar, at codon 76 of the SIX3 protein (p.Glu76Val). This variant is present in population databases (rs770543339, gnomAD 0.004%). This variant has not been reported in the literature in individuals affected with SIX3-related conditions. ClinVar contains an entry for this variant (Variation ID: 1498282). Invitae Evidence Modeling of protein sequence and biophysical properties (such as structural, functional, and spatial information, amino acid conservation, physicochemical variation, residue mobility, and thermodynamic stability) indicates that this missense variant is not expected to disrupt SIX3 protein function with a negative predictive value of 80%. In summary, the available evidence is currently insufficient to determine the role of this variant in disease. Therefore, it has been classified as a Variant of Uncertain Significance.

NM_005413.4(SIX3):c.227A>T (p.Glu76Val)

Gene: SIX3 (SIX homeobox 3; plus strand). Cytogenetic location: 2p21.
Variant type: single nucleotide variant.
Coding change: c.227A>T on transcript NM_005413.4 (MANE Select); coding-DNA position 227, A replaced by T.
Protein change: p.Glu76Val; replaces glutamic acid 76 with valine.
Molecular consequence: missense variant.
Genome position (GRCh38, 1-based): chr2:44,942,331, A>T. VCF-style: chr2-44942331-A-T. GRCh37 (hg19) VCF-style: chr2-45169470-A-T.
Other names: short protein forms E76V.
Identifiers: ClinVar variation 1498282 (VCV001498282.6), dbSNP rs770543339, ClinGen allele CA1642296.